The following is an entry in ClinVar:

NM_001012614.2(CTBP1):c.163-8C>G

Gene: CTBP1 (C-terminal binding protein 1; minus strand). Cytogenetic location: 4p16.3.
Variant type: single nucleotide variant.
Coding change: c.163-8C>G on transcript NM_001012614.2 (MANE Select); 8 bases into the intron before coding-DNA position 163, C replaced by G.
Molecular consequence: intron variant.
Genome position (GRCh38, 1-based): chr4:1,228,351, G>C on the plus strand (C>G on the coding strand, the complement: CTBP1 is on the minus strand). VCF-style: chr4-1228351-G-C. GRCh37 (hg19) VCF-style: chr4-1222139-G-C.
Other names: c.196-8C>G (NM_001328.3).
Identifiers: ClinVar variation 739484 (VCV000739484.36), dbSNP rs111230970, ClinGen allele CA2804477.

ClinVar aggregate classification (germline): Likely benign. Review status: criteria provided, multiple submitters, no conflicts (2 of 4 stars). 2 submissions from 2 submitters: Likely benign (2). Last evaluated 2025-10-01.

Allele frequency attached by ClinVar (database versions not stated): 1000 Genomes Project 30x 0.00016; TOPMed 0.00022.
gnomAD v4.1: 398 of 1,611,954 alleles (0.025%); highest among the groups gnomAD compares: Non-Finnish European, 0.031%; no homozygotes.

Submissions (4):

CeGaT Center for Human Genetics Tuebingen
Classification: Likely benign. Last evaluated: 2025-10-01. Review status: criteria provided, single submitter. Criteria: CeGaT Center For Human Genetics Tuebingen Variant Classification Criteria Version 2. Collection method: clinical testing. Allele origin: germline. Affected: yes. Observed: 2 variant alleles.
Comment: CTBP1: BP4

Labcorp Genetics (formerly Invitae), Labcorp
Classification: Likely benign. Last evaluated: 2025-08-03. Review status: criteria provided, single submitter. Criteria: Invitae Variant Classification Sherloc (09022015). Collection method: clinical testing. Allele origin: germline.

Dr. Peter K. Rogan Lab, Western University
No classification provided (evidence only). Condition: Cervical cancer. Review status: no classification provided. Collection method: in vitro. Allele origin: not applicable. Functional consequence: skipped exon, retained intron. Not counted in ClinVar's aggregate classification.

Dr. Peter K. Rogan Lab, Western University
No classification provided (evidence only). Condition: Chronic lymphocytic leukemia/small lymphocytic lymphoma. Review status: no classification provided. Collection method: in vitro. Allele origin: not applicable. Functional consequence: retained intron. Not counted in ClinVar's aggregate classification.